The following is an entry in ClinVar:

ClinVar aggregate classification (germline): Uncertain significance (1 of 4 stars; one submission).

Conditions:
Autosomal dominant polycystic kidney disease. Identifiers: Orphanet 730, MedGen C0085413, MONDO:0004691.

Submission:

Labcorp Genetics (formerly Invitae), Labcorp
Classification: Uncertain significance for Autosomal dominant polycystic kidney disease. Last evaluated: 2022-05-02. Review status: criteria provided, single submitter. Criteria: Invitae Variant Classification Sherloc (09022015). Collection method: clinical testing. Allele origin: germline.
Comment: In summary, the available evidence is currently insufficient to determine the role of this variant in disease. Therefore, it has been classified as a Variant of Uncertain Significance. Algorithms developed to predict the effect of missense changes on protein structure and function are either unavailable or do not agree on the potential impact of this missense change (SIFT: "Deleterious"; PolyPhen-2: "Probably Damaging"; Align-GVGD: "Class C0"). This variant has not been reported in the literature in individuals affected with PKD2-related conditions. This variant is not present in population databases (gnomAD no frequency). This sequence change replaces glutamine, which is neutral and polar, with proline, which is neutral and non-polar, at codon 458 of the PKD2 protein (p.Gln458Pro).

NM_000297.4(PKD2):c.1373A>C (p.Gln458Pro)

Gene: PKD2 (polycystin 2, transient receptor potential cation channel; plus strand). Cytogenetic location: 4q22.1.
Variant type: single nucleotide variant.
Coding change: c.1373A>C on transcript NM_000297.4 (MANE Select); coding-DNA position 1373, A replaced by C.
Protein change: p.Gln458Pro; replaces glutamine 458 with proline.
Molecular consequence: missense variant. On other transcripts: non-coding transcript variant (1).
Genome position (GRCh38, 1-based): chr4:88,046,695, A>C. VCF-style: chr4-88046695-A-C. GRCh37 (hg19) VCF-style: chr4-88967847-A-C.
Other names: short protein forms Q458P.
Identifiers: ClinVar variation 2133075 (VCV002133075.4), dbSNP rs2475925100, ClinGen allele CA357618704.